The following is an entry in ClinVar:

ClinVar aggregate classification (germline): Pathogenic (1 of 4 stars; one submission).

Conditions:
Anemia, nonspherocytic hemolytic, due to G6PD deficiency (CNSHA1). Also called: Hemolytic anemia due to G6PD deficiency; Class I glucose-6-phosphate dehydrogenase deficiency; Favism, susceptibility to; ANEMIA, CONGENITAL, NONSPHEROCYTIC HEMOLYTIC, 1. Identifiers: Orphanet 466026, MedGen C2720289, MONDO:0010480, OMIM 300908.

Submission:

Dunham Lab, University of Washington
Classification: Pathogenic for Anemia, nonspherocytic hemolytic, due to G6PD deficiency. Last evaluated: 2022-08-12. Review status: criteria provided, single submitter. Criteria: Bayesian ACMG Guidelines, 2018. Collection method: curation. Allele origin: unknown.
Comment: Introduces a stop codon at residue 395 (PVS1). Within dimer interface (PM1). Below expected carrier frequency in gnomAD (PM2). This variant was identified in gnomAD, not a study on G6PD deficiency, so no phenotypic information is available. Post_P 0.999 (odds of pathogenicity 6562, Prior_P 0.1).

Literature cited by the submitters: PubMed 31294066.

NM_001360016.2(G6PD):c.1183C>T (p.Gln395Ter)

Gene: G6PD (glucose-6-phosphate dehydrogenase; minus strand). Cytogenetic location: Xq28.
Variant type: single nucleotide variant.
Coding change: c.1183C>T on transcript NM_001360016.2 (MANE Select); coding-DNA position 1183, C replaced by T.
Protein change: p.Gln395Ter; replaces glutamine 395 with a stop codon.
Molecular consequence: nonsense.
Genome position (GRCh38, 1-based): chrX:154,532,671, G>A on the plus strand (C>T on the coding strand, the complement: G6PD is on the minus strand). VCF-style: chrX-154532671-G-A. GRCh37 (hg19) VCF-style: chrX-153760886-G-A.
Other names: c.1273C>T, p.Gln425Ter (NM_000402.4); c.1183C>T, p.Gln395Ter (NM_001042351.3); short protein forms Q395*, Q425*.
Identifiers: ClinVar variation 1722673 (VCV001722673.2), dbSNP rs1557229685, ClinGen allele CA415234043.